The following is an entry in ClinVar:

NM_000540.3(RYR1):c.7237G>T (p.Glu2413Ter)

Gene: RYR1 (ryanodine receptor 1; plus strand). Cytogenetic location: 19q13.2.
Variant type: single nucleotide variant.
Coding change: c.7237G>T on transcript NM_000540.3 (MANE Select); coding-DNA position 7237, G replaced by T.
Protein change: p.Glu2413Ter; replaces glutamic acid 2413 with a stop codon.
Molecular consequence: nonsense.
Genome position (GRCh38, 1-based): chr19:38,499,930, G>T. VCF-style: chr19-38499930-G-T. GRCh37 (hg19) VCF-style: chr19-38990570-G-T.
Other names: c.7237G>T, p.Glu2413Ter (NM_001042723.2); short protein forms E2413*.
Identifiers: ClinVar variation 478262 (VCV000478262.6), dbSNP rs1555783458, ClinGen allele CA405669155.

ClinVar aggregate classification (germline): Pathogenic (1 of 4 stars; one submission).

Conditions:
RYR1-related disorder. Also called: RYR1-related condition; RYR1-related disorders. Identifiers: MedGen CN239331.

Submission:

Labcorp Genetics (formerly Invitae), Labcorp
Classification: Pathogenic for RYR1-related disorder. Last evaluated: 2023-07-17. Review status: criteria provided, single submitter. Criteria: Invitae Variant Classification Sherloc (09022015). Collection method: clinical testing. Allele origin: germline.
Comment: For these reasons, this variant has been classified as Pathogenic. ClinVar contains an entry for this variant (Variation ID: 478262). This variant has not been reported in the literature in individuals affected with RYR1-related conditions. This variant is not present in population databases (gnomAD no frequency). This sequence change creates a premature translational stop signal (p.Glu2413*) in the RYR1 gene. It is expected to result in an absent or disrupted protein product. Loss-of-function variants in RYR1 are known to be pathogenic (PMID: 23919265, 25960145, 28818389, 30611313).

Literature cited by the submitters: PubMed 23919265; PubMed 25960145; PubMed 28818389; PubMed 30611313.